The following is an entry in ClinVar:

ClinVar aggregate classification (germline): Conflicting classifications of pathogenicity. Review status: criteria provided, conflicting classifications (1 of 4 stars). 8 submissions from 8 submitters: Uncertain significance (2); Benign (1); Likely benign (4). 1 of the submissions does not count toward it. Last evaluated 2026-01-24.

Conditions:
Alport syndrome. Also called: Hemorrhagic familial nephritis; Hemorrhagic hereditary nephritis; Congenital hereditary hematuria. Identifiers: Orphanet 63, MedGen C1567741, MONDO:0018965.

Allele frequency attached by ClinVar (database versions not stated): 1000 Genomes Project 30x 0.00016; ExAC 0.00018; 1000 Genomes Project 0.00020; gnomAD exomes 0.00022 and 0.00026; gnomAD 0.00028 and 0.00032; ESP Exome Variant Server 0.00034; TOPMed 0.00062.
gnomAD v4.1: 374 of 1,613,924 alleles (0.023%); highest among the groups gnomAD compares: Admixed American, 0.1%; no homozygotes.

Submissions (8):

Labcorp Genetics (formerly Invitae), Labcorp
Classification: Likely benign. Last evaluated: 2026-01-24. Review status: criteria provided, single submitter. Criteria: Invitae Variant Classification Sherloc (09022015). Collection method: clinical testing. Allele origin: germline.

CeGaT Center for Human Genetics Tuebingen
Classification: Likely benign. Last evaluated: 2025-01-01. Review status: criteria provided, single submitter. Criteria: CeGaT Center For Human Genetics Tuebingen Variant Classification Criteria Version 2. Collection method: clinical testing. Allele origin: germline. Affected: yes. Observed: 1 variant allele.
Comment: COL4A3: BP4, BP7

Blueprint Genetics
Classification: Likely benign. Last evaluated: 2024-10-25. Review status: criteria provided, single submitter. Criteria: ACMG Guidelines, 2015. Collection method: clinical testing. Allele origin: germline.

GeneDx
Classification: Uncertain significance. Last evaluated: 2021-09-23. Review status: criteria provided, single submitter. Criteria: GeneDx Variant Classification Process June 2021. Collection method: clinical testing. Allele origin: germline. Affected: yes.
Comment: Has not been previously published as pathogenic or benign to our knowledge; In-silico analysis, which includes splice predictors and evolutionary conservation, is inconclusive as to whether the variant alters gene splicing. In the absence of RNA/functional studies, the actual effect of this sequence change is unknown.

Illumina Laboratory Services, Illumina
Classification: Uncertain significance for Alport syndrome. Last evaluated: 2018-01-12. Review status: criteria provided, single submitter. Criteria: ICSL Variant Classification Criteria 13 December 2019. Collection method: clinical testing. Allele origin: germline.

Laboratory for Molecular Medicine, Mass General Brigham Personalized Medicine
Classification: Likely benign. Last evaluated: 2017-08-23. Review status: criteria provided, single submitter. Criteria: LMM Criteria. Collection method: clinical testing. Allele origin: germline. Observed: 1 variant allele.
Comment: p.Pro1090Pro in exon 38 of COL4A3: This variant is not expected to have clinical significance because it does not alter an amino acid residue and is not located within the splice consensus sequence. It has been identified in 0.08% (9/11550) of Latino chromosomes by the Exome Aggregation Consortium (ExAC; dbSNP rs201989155).

PreventionGenetics, part of Exact Sciences
Classification: Benign. Review status: criteria provided, single submitter. Criteria: ACMG Guidelines, 2015. Collection method: clinical testing. Allele origin: germline.

Natera, Inc.
Classification: Uncertain significance for Alport syndrome. Last evaluated: 2019-11-11. Review status: no assertion criteria provided. Collection method: clinical testing. Allele origin: germline. Not counted in ClinVar's aggregate classification.

NM_000091.5(COL4A3):c.3270A>C (p.Pro1090=)

Genes: MFF-DT (MFF divergent transcript; minus strand), COL4A3 (collagen type IV alpha 3 chain; plus strand). Cytogenetic location: 2q36.3.
Variant type: single nucleotide variant.
Coding change: c.3270A>C on transcript NM_000091.5 (MANE Select); coding-DNA position 3270, A replaced by C.
Protein change: p.Pro1090=; no amino-acid change (proline 1090 retained).
Molecular consequence: synonymous variant.
Genome position (GRCh38, 1-based): chr2:227,293,250, A>C. VCF-style: chr2-227293250-A-C. GRCh37 (hg19) VCF-style: chr2-228157966-A-C.
Identifiers: ClinVar variation 254992 (VCV000254992.39), dbSNP rs201989155, ClinGen allele CA2147171.